The following is an entry in ClinVar:

NM_001145358.2(SIN3A):c.1138del (p.Leu380fs)

Gene: SIN3A (SIN3 transcription regulator family member A; minus strand). Cytogenetic location: 15q24.2.
Variant type: Deletion.
Coding change: c.1138del on transcript NM_001145358.2 (MANE Select); coding-DNA position 1138, one base deleted (C; older notation c.1138delC).
Protein change: p.Leu380fs; shifts the reading frame from leucine 380.
Molecular consequence: frameshift variant.
Genome position (GRCh38, 1-based): chr15:75,410,157, G deleted on the plus strand (C on the coding strand, the reverse complement: SIN3A is on the minus strand); the first of 2 consecutive G bases (chr15:75,410,157-75,410,158); deleting either gives the same sequence. VCF-style (leftmost placement, unchanged base first): chr15-75410156-AG-A. GRCh37 (hg19) VCF-style: chr15-75702497-AG-A.
Other names: c.1138del, p.Leu380fs (NM_001145357.2, NM_015477.3); short protein forms L380fs.
Identifiers: ClinVar variation 2864062 (VCV002864062.3), dbSNP rs2542681599, ClinGen allele CA2739269594.
Genomic context (GRCh38, chr15:75,410,156, plus strand): 5'-TAATAGTAAATAGTGTAATTCTTATTAAAAAAACATACCACGGAGCTGTTGGCATCTGGT[AG>A]GAATTGTCCAAACTCTGACAACAAATCTTCCTGGTTTTTAAAGAGACGAGCAACCTGGGC-3'

ClinVar aggregate classification (germline): Pathogenic (1 of 4 stars; one submission).

Submission:

Labcorp Genetics (formerly Invitae), Labcorp
Classification: Pathogenic. Last evaluated: 2023-05-13. Review status: criteria provided, single submitter. Criteria: Invitae Variant Classification Sherloc (09022015). Collection method: clinical testing. Allele origin: germline.
Comment: This variant is not present in population databases (gnomAD no frequency). This sequence change creates a premature translational stop signal (p.Leu380Tyrfs*10) in the SIN3A gene. It is expected to result in an absent or disrupted protein product. Loss-of-function variants in SIN3A are known to be pathogenic (PMID: 27399968). This variant has not been reported in the literature in individuals affected with SIN3A-related conditions. For these reasons, this variant has been classified as Pathogenic.

Literature cited by the submitters: PubMed 27399968.